The following is an entry in ClinVar:

ClinVar aggregate classification (germline): Benign/Likely benign. Review status: criteria provided, multiple submitters, no conflicts (2 of 4 stars). 9 submissions from 9 submitters: Benign (2); Likely benign (6). 1 of the submissions does not count toward it. Last evaluated 2026-01-25.

Conditions:
CBL-related disorder. Also called: CBL MUTATION-ASSOCIATED SYNDROME; CBL SYNDROME; NOONAN SYNDROME-LIKE DISORDER WITHOUT JUVENILE MYELOMONOCYTIC LEUKEMIA. Identifiers: Orphanet 363972, MedGen C3150803, MONDO:0013308, OMIM 613563.
Noonan syndrome and Noonan-related syndrome. Identifiers: Orphanet 98733, MedGen C5681679, MONDO:0020297.
Cardiovascular phenotype. Identifiers: MedGen CN230736.
RASopathy. Also called: rasopathies; Noonan spectrum disorder. Identifiers: Orphanet 536391, MedGen C5555857, MONDO:0021060.

Allele frequency attached by ClinVar (database versions not stated): gnomAD 0.00005 and 0.00009; TOPMed 0.00009; ExAC 0.00016; gnomAD exomes 0.00020.
gnomAD v4.1: 161 of 1,614,200 alleles (0.01%); highest among the groups gnomAD compares: South Asian, 0.093%; no homozygotes.

Submissions (9):

Labcorp Genetics (formerly Invitae), Labcorp
Classification: Likely benign for RASopathy. Last evaluated: 2026-01-25. Review status: criteria provided, single submitter. Criteria: Invitae Variant Classification Sherloc (09022015). Collection method: clinical testing. Allele origin: germline.

Blueprint Genetics
Classification: Likely benign. Last evaluated: 2024-10-15. Review status: criteria provided, single submitter. Criteria: ACMG Guidelines, 2015. Collection method: clinical testing. Allele origin: germline.

CeGaT Center for Human Genetics Tuebingen
Classification: Likely benign. Last evaluated: 2023-12-01. Review status: criteria provided, single submitter. Criteria: CeGaT Center For Human Genetics Tuebingen Variant Classification Criteria Version 2. Collection method: clinical testing. Allele origin: germline. Affected: yes. Observed: 2 variant alleles.
Comment: CBL: BP4, BS1

Ambry Genetics
Classification: Likely benign for Cardiovascular phenotype. Last evaluated: 2022-10-14. Review status: criteria provided, single submitter. Criteria: Ambry Variant Classification Scheme 2023. Collection method: clinical testing. Allele origin: germline.

Women's Health and Genetics/Laboratory Corporation of America, LabCorp
Classification: Likely benign. Last evaluated: 2020-11-16. Review status: criteria provided, single submitter. Criteria: LabCorp Variant Classification Summary - May 2015. Collection method: clinical testing. Allele origin: germline.
Comment: Variant summary: CBL c.1647C>A (p.Asp549Glu) results in a conservative amino acid change in the encoded protein sequence. Four of five in-silico tools predict a benign effect of the variant on protein function. The variant allele was found at a frequency of 0.0002 in 251456 control chromosomes, predominantly at a frequency of 0.00072 within the South Asian subpopulation in the gnomAD database. The observed variant frequency within South Asian control individuals in the gnomAD database is approximately 288 fold of the estimated maximal expected allele frequency for a pathogenic variant in CBL causing Noonan Syndrome And Related Conditions phenotype (2.5e-06), strongly suggesting that the variant is a benign polymorphism found primarily in populations of South Asian origin. To our knowledge, no occurrence of c.1647C>A in individuals affected with Noonan Syndrome And Related Conditions and no experimental evidence demonstrating its impact on protein function have been reported. Three ClinVar submitters (evaluation after 2014) cite the variant as benign (1x) and likely benign (2x). Based on the evidence outlined above, the variant was classified as likely benign.

Genome Diagnostics Laboratory, The Hospital for Sick Children
Classification: Benign for Noonan syndrome and Noonan-related syndrome. Last evaluated: 2018-03-01. Review status: criteria provided, single submitter. Criteria: ACMG Guidelines, 2015. Collection method: clinical testing. Allele origin: germline.

Illumina Laboratory Services, Illumina
Classification: Benign for CBL-related disorder. Last evaluated: 2018-01-13. Review status: criteria provided, single submitter. Criteria: ICSL Variant Classification Criteria 13 December 2019. Collection method: clinical testing. Allele origin: germline.
Comment: This variant was observed in the ICSL laboratory as part of a predisposition screen in an ostensibly healthy population. It had not been previously curated by ICSL or reported in the Human Gene Mutation Database (HGMD: prior to June 1st, 2018), and was therefore a candidate for classification through an automated scoring system. Utilizing variant allele frequency, disease prevalence and penetrance estimates, and inheritance mode, an automated score was calculated to assess if this variant is too frequent to cause the disease. Based on the score and internal cut-off values, a variant classified as benign is not then subjected to further curation. The score for this variant resulted in a classification of benign for this disease.

Laboratory for Molecular Medicine, Mass General Brigham Personalized Medicine
Classification: Likely benign. Last evaluated: 2015-06-16. Review status: criteria provided, single submitter. Criteria: LMM Criteria. Collection method: clinical testing. Allele origin: germline. Observed: 2 variant alleles.
Comment: proposed classification - variant undergoing re-assessment, contact laboratory

PreventionGenetics, part of Exact Sciences
Classification: Likely benign for CBL-related condition. Last evaluated: 2020-12-04. Review status: no assertion criteria provided. Collection method: clinical testing. Allele origin: germline. Not counted in ClinVar's aggregate classification.
Comment: This variant is classified as likely benign based on ACMG/AMP sequence variant interpretation guidelines (Richards et al. 2015 PMID: 25741868, with internal and published modifications).

NM_005188.4(CBL):c.1647C>A (p.Asp549Glu)

Gene: CBL (Cbl proto-oncogene; plus strand). Cytogenetic location: 11q23.3.
Variant type: single nucleotide variant.
Coding change: c.1647C>A on transcript NM_005188.4 (MANE Select); coding-DNA position 1647, C replaced by A.
Protein change: p.Asp549Glu; replaces aspartic acid 549 with glutamic acid.
Molecular consequence: missense variant.
Genome position (GRCh38, 1-based): chr11:119,285,272, C>A. VCF-style: chr11-119285272-C-A. GRCh37 (hg19) VCF-style: chr11-119155982-C-A.
Other names: short protein forms D549E.
Identifiers: ClinVar variation 179387 (VCV000179387.49), dbSNP rs369030902, ClinGen allele CA184322.